The following is an entry in ClinVar:

ClinVar aggregate classification (germline): Uncertain significance (1 of 4 stars; one submission).

Conditions:
Epileptic encephalopathy. Identifiers: MedGen C0543888, HP:0200134.

Allele frequency attached by ClinVar (database versions not stated): gnomAD exomes below 0.00001; gnomAD 0.00001; 1000 Genomes Project 30x 0.00016; 1000 Genomes Project 0.00020.
gnomAD v4.1: 3 of 1,610,658 alleles (0.00019%); highest among the groups gnomAD compares: East Asian, 0.0022%; no homozygotes.

Submission:

Labcorp Genetics (formerly Invitae), Labcorp
Classification: Uncertain significance for Epileptic encephalopathy. Last evaluated: 2023-03-08. Review status: criteria provided, single submitter. Criteria: Invitae Variant Classification Sherloc (09022015). Collection method: clinical testing. Allele origin: germline.
Comment: In summary, the available evidence is currently insufficient to determine the role of this variant in disease. Therefore, it has been classified as a Variant of Uncertain Significance. An algorithm developed to predict the effect of missense changes on protein structure and function (PolyPhen-2) suggests that this variant is likely to be disruptive. This sequence change replaces arginine, which is basic and polar, with cysteine, which is neutral and slightly polar, at codon 1468 of the FASN protein (p.Arg1468Cys). This variant is not present in population databases (gnomAD no frequency). This variant has not been reported in the literature in individuals affected with FASN-related conditions. ClinVar contains an entry for this variant (Variation ID: 1359908).

NM_004104.5(FASN):c.4402C>T (p.Arg1468Cys)

Gene: FASN (fatty acid synthase; minus strand). Cytogenetic location: 17q25.3.
Variant type: single nucleotide variant.
Coding change: c.4402C>T on transcript NM_004104.5 (MANE Select); coding-DNA position 4402, C replaced by T.
Protein change: p.Arg1468Cys; replaces arginine 1468 with cysteine.
Molecular consequence: missense variant.
Genome position (GRCh38, 1-based): chr17:82,085,042, G>A on the plus strand (C>T on the coding strand, the complement: FASN is on the minus strand). VCF-style: chr17-82085042-G-A. GRCh37 (hg19) VCF-style: chr17-80042918-G-A.
Other names: short protein forms R1468C.
Identifiers: ClinVar variation 1359908 (VCV001359908.8), dbSNP rs575986448, ClinGen allele CA295129626.
Genomic context (GRCh38, chr17:82,085,042, plus strand): 5'-GGGGATGGGGAGGCTGGTGGGGAAGGGGAAGTGGTGAGGGGCCGTGCTCCTACCGGAGGC[G>A]GTTCCCGCCGGGCTCTCGGCGGAGACAGTTCACCAAGCCCACCACGCCCGAGGTGGCACA-3'
Protein context (NP_004095.4, residues 1458-1478): NCLRREPGGN[Arg1468Cys]LRCVLLSNLS